The following is an entry in ClinVar:

NM_001042492.3(NF1):c.7505dup (p.Tyr2503fs)

Gene: NF1 (neurofibromin 1; plus strand). Cytogenetic location: 17q11.2.
Variant type: Duplication.
Coding change: c.7505dup on transcript NM_001042492.3 (MANE Select); coding-DNA position 7505, one base duplicated (G; older notation c.7505dupG).
Protein change: p.Tyr2503fs; shifts the reading frame from tyrosine 2503.
Molecular consequence: frameshift variant.
Genome position (GRCh38, 1-based): chr17:31,352,304, G duplicated; the last of 2 consecutive G bases (chr17:31,352,303-31,352,304); duplicating either gives the same sequence. VCF-style (leftmost placement, unchanged base first): chr17-31352302-A-AG. GRCh37 (hg19) VCF-style: chr17-29679320-A-AG.
Other names: c.7442dup, p.Tyr2482Ilefs (NM_000267.4); short protein forms Y2482fs, Y2503fs.
Identifiers: ClinVar variation 2012389 (VCV002012389.4), dbSNP rs1555536358, ClinGen allele CA2580093413.

ClinVar aggregate classification (germline): Pathogenic (1 of 4 stars; one submission).

Conditions:
Neurofibromatosis, type 1 (NF1). Also called: Neurofibromatosis, type I; Peripheral type neurofibromatosis; VON RECKLINGHAUSEN DISEASE; NEUROFIBROMATOSIS, TYPE I, SOMATIC. Identifiers: Orphanet 636, MedGen C0027831, MONDO:0018975, OMIM 162200. Disease mechanism: loss of function.

Submission:

Labcorp Genetics (formerly Invitae), Labcorp
Classification: Pathogenic for Neurofibromatosis, type 1. Last evaluated: 2022-06-30. Review status: criteria provided, single submitter. Criteria: Invitae Variant Classification Sherloc (09022015). Collection method: clinical testing. Allele origin: germline.
Comment: This sequence change creates a premature translational stop signal (p.Tyr2482Ilefs*33) in the NF1 gene. It is expected to result in an absent or disrupted protein product. Loss-of-function variants in NF1 are known to be pathogenic (PMID: 10712197, 23913538). For these reasons, this variant has been classified as Pathogenic. This variant has not been reported in the literature in individuals affected with NF1-related conditions. This variant is not present in population databases (gnomAD no frequency).

Literature cited by the submitters: PubMed 10712197; PubMed 23913538.